The following is an entry in ClinVar:

NM_004285.4(H6PD):c.343G>A (p.Glu115Lys)

Gene: H6PD (hexose-6-phosphate dehydrogenase/glucose 1-dehydrogenase; plus strand). Cytogenetic location: 1p36.22.
Variant type: single nucleotide variant.
Coding change: c.343G>A on transcript NM_004285.4 (MANE Select); coding-DNA position 343, G replaced by A.
Protein change: p.Glu115Lys; replaces glutamic acid 115 with lysine.
Molecular consequence: missense variant.
Genome position (GRCh38, 1-based): chr1:9,245,277, G>A. VCF-style: chr1-9245277-G-A. GRCh37 (hg19) VCF-style: chr1-9305336-G-A.
Other names: c.376G>A, p.Glu126Lys (NM_001282587.2); short protein forms E115K, E126K.
Identifiers: ClinVar variation 2152753 (VCV002152753.2), dbSNP rs543287988, ClinGen allele CA574921.

ClinVar aggregate classification (germline): Uncertain significance (1 of 4 stars; one submission).

Allele frequency attached by ClinVar (database versions not stated): gnomAD exomes 0.00002; gnomAD 0.00003; TOPMed 0.00003; ExAC 0.00005; 1000 Genomes Project 30x 0.00016; 1000 Genomes Project 0.00020.
gnomAD v4.1: 37 of 1,614,210 alleles (0.0023%); highest among the groups gnomAD compares: East Asian, 0.045%; no homozygotes.

Submission:

Labcorp Genetics (formerly Invitae), Labcorp
Classification: Uncertain significance. Last evaluated: 2022-08-20. Review status: criteria provided, single submitter. Criteria: Invitae Variant Classification Sherloc (09022015). Collection method: clinical testing. Allele origin: germline.
Comment: Algorithms developed to predict the effect of missense changes on protein structure and function are either unavailable or do not agree on the potential impact of this missense change (SIFT: "Deleterious"; PolyPhen-2: "Possibly Damaging"; Align-GVGD: "Class C0"). This variant has not been reported in the literature in individuals affected with H6PD-related conditions. This variant is present in population databases (rs543287988, gnomAD 0.04%). This sequence change replaces glutamic acid, which is acidic and polar, with lysine, which is basic and polar, at codon 115 of the H6PD protein (p.Glu115Lys). In summary, the available evidence is currently insufficient to determine the role of this variant in disease. Therefore, it has been classified as a Variant of Uncertain Significance.